The following is an entry in ClinVar:

ClinVar aggregate classification (germline): Uncertain significance (1 of 4 stars; one submission).

Conditions:
Imerslund-Grasbeck syndrome. Also called: Imerslund-Gräsbeck syndrome; Megaloblastic anemia due to inborn errors of metabolism; ENTEROCYTE COBALAMIN MALABSORPTION; ENTEROCYTE INTRINSIC FACTOR RECEPTOR, DEFECT OF; PERNICIOUS ANEMIA, JUVENILE, DUE TO SELECTIVE INTESTINAL MALABSORPTION OF VITAMIN B12, WITH PROTEINURIA. Identifiers: Orphanet 35858, MedGen C4551825, MONDO:0009853.

Allele frequency attached by ClinVar (database versions not stated): gnomAD exomes 0.00001.
gnomAD v4.1: 12 of 1,614,046 alleles (0.00074%); highest among the groups gnomAD compares: Non-Finnish European, 0.001%; no homozygotes.

Submission:

Labcorp Genetics (formerly Invitae), Labcorp
Classification: Uncertain significance for Imerslund-Grasbeck syndrome. Last evaluated: 2021-11-30. Review status: criteria provided, single submitter. Criteria: Invitae Variant Classification Sherloc (09022015). Collection method: clinical testing. Allele origin: germline.
Comment: This sequence change replaces isoleucine, which is neutral and non-polar, with valine, which is neutral and non-polar, at codon 1918 of the CUBN protein (p.Ile1918Val). In summary, the available evidence is currently insufficient to determine the role of this variant in disease. Therefore, it has been classified as a Variant of Uncertain Significance. Algorithms developed to predict the effect of missense changes on protein structure and function output the following: SIFT: "Tolerated"; PolyPhen-2: "Benign"; Align-GVGD: "Class C0". The valine amino acid residue is found in multiple mammalian species, which suggests that this missense change does not adversely affect protein function. This variant has not been reported in the literature in individuals affected with CUBN-related conditions. This variant is not present in population databases (gnomAD no frequency).

NM_001081.4(CUBN):c.5752A>G (p.Ile1918Val)

Gene: CUBN (cubilin; minus strand). Cytogenetic location: 10p13.
Variant type: single nucleotide variant.
Coding change: c.5752A>G on transcript NM_001081.4 (MANE Select); coding-DNA position 5752, A replaced by G.
Protein change: p.Ile1918Val; replaces isoleucine 1918 with valine.
Molecular consequence: missense variant.
Genome position (GRCh38, 1-based): chr10:16,937,766, T>C on the plus strand (A>G on the coding strand, the complement: CUBN is on the minus strand). VCF-style: chr10-16937766-T-C. GRCh37 (hg19) VCF-style: chr10-16979765-T-C.
Other names: short protein forms I1918V.
Identifiers: ClinVar variation 1374049 (VCV001374049.6), dbSNP rs1842556433, ClinGen allele CA376155513.
Genomic context (GRCh38, chr10:16,937,766, plus strand): 5'-CAGTGGAGCTGAAAGATTCAGTCTGGGTACCACAGTAAGCTCCAATTAGGCGGGCGTGAA[T>C]GCTAGGCCCATCATAGATCTGTACATAAAAACAGATAATAGAGCATTGTATTATCTATAT-3'
Protein context (NP_001072.2, residues 1908-1928): DKLRIYDGPS[Ile1918Val]HARLIGAYCG